The following is an entry in ClinVar:

ClinVar aggregate classification (germline): Conflicting classifications of pathogenicity. Review status: criteria provided, conflicting classifications (1 of 4 stars). 9 submissions from 9 submitters: Pathogenic (1); Likely pathogenic (6); Uncertain significance (2). Last evaluated 2026-01-13.

Conditions:
Usher syndrome type 1F (USH1F). Also called: USHER SYNDROME, TYPE IF. Identifiers: Orphanet 231169, Orphanet 886, MedGen C1865885, MONDO:0011186, OMIM 602083.
Usher syndrome type 1D (USH1D). Also called: USHER SYNDROME, TYPE ID. Identifiers: Orphanet 231169, Orphanet 886, MedGen C1832845, MONDO:0010984, OMIM 601067.
Autosomal recessive nonsyndromic hearing loss 23. Identifiers: Orphanet 90636, MedGen C1836027, MONDO:0012293, OMIM 609533.

Allele frequency attached by ClinVar (database versions not stated): gnomAD 0.00001; TOPMed 0.00001.
gnomAD v4.1: 14 of 1,612,856 alleles (0.00087%); highest among the groups gnomAD compares: African/African-American, 0.004%; no homozygotes.

Submissions (9):

Labcorp Genetics (formerly Invitae), Labcorp
Classification: Pathogenic. Last evaluated: 2026-01-13. Review status: criteria provided, single submitter. Criteria: Invitae Variant Classification Sherloc (09022015). Collection method: clinical testing. Allele origin: germline.
Comment: This sequence change replaces arginine, which is basic and polar, with glutamine, which is neutral and polar, at codon 134 of the PCDH15 protein (p.Arg134Gln). This variant is present in population databases (no rsID available, gnomAD 0.004%). This missense change has been observed in individual(s) with Usher syndrome (PMID: 20538994, 22815625, 28944237, 33576794). In at least one individual the data is consistent with being in trans (on the opposite chromosome) from a pathogenic variant. ClinVar contains an entry for this variant (Variation ID: 968368). Invitae Evidence Modeling of protein sequence and biophysical properties (such as structural, functional, and spatial information, amino acid conservation, physicochemical variation, residue mobility, and thermodynamic stability) has been performed for this missense variant. However, the output from this modeling did not meet the statistical confidence thresholds required to predict the impact of this variant on PCDH15 protein function. This variant disrupts the p.Arg134 amino acid residue in PCDH15. Other variant(s) that disrupt this residue have been determined to be pathogenic (PMID: 14570705, 25333064, 27743452). This suggests that this residue is clinically significant, and that variants that disrupt this residue are likely to be disease-causing. For these reasons, this variant has been classified as Pathogenic.

Natera, Inc.
Classification: Likely pathogenic for Usher syndrome type 1F. Last evaluated: 2025-10-02. Review status: criteria provided, single submitter. Criteria: Natera Variant Classification Schema (03/2026). Collection method: clinical testing. Allele origin: germline.
Comment: The c.401G>A variant in PCDH15 is a missense variant predicted to cause substitution of arginine to glutamine at amino acid 134. This variant is rare in the general population with a frequency below the threshold expected for the associated phenotype(s). This variant has been observed in one or more individuals affected with the associated recessive disease, as either homozygous or compound heterozygous with a second variant (PMID: 28944237). A different variant at the same position has been determined to be Pathogenic or Likely Pathogenic. Computational prediction algorithms indicate this variant is likely to affect gene or protein function. Given the available evidence, this variant is classified as Likely Pathogenic.

Women's Health and Genetics/Laboratory Corporation of America, LabCorp
Classification: Likely pathogenic for Usher syndrome type 1F. Last evaluated: 2023-11-14. Review status: criteria provided, single submitter. Criteria: LabCorp Variant Classification Summary - May 2015. Collection method: clinical testing. Allele origin: germline.
Comment: Variant summary: PCDH15 c.401G>A (p.Arg134Gln) results in a conservative amino acid change located in the Cadherin-like domain (IPR002126) of the encoded protein sequence. This alters a highly conserved residue (HGMD) in which another missense change (p.Arg134Gly) is classified as pathogenic. Three of five in-silico tools predict a damaging effect of the variant on protein function. The variant allele was found at a frequency of 8e-06 in 250780 control chromosomes (gnomAD). c.401G>A has been reported in the literature in individuals affected with Usher Syndrome who were compound heterozygous with likely pathogenic copy number variants (Aller_2010, Jaijo_2012, Neuhaus_2017). It was also found in the homozygous state in an Usher syndrome patient, although they had other variants of uncertain significance in the homozygous state as well (Colombo_2021, Maltese_2022). These data indicate that the variant may be associated with disease. To our knowledge, no experimental evidence demonstrating an impact on protein function has been reported. The following publications have been ascertained in the context of this evaluation (PMID: 28944237, 22815625, 20538994, 33576794, 35836572). Two submitters have cited clinical-significance assessments for this variant to ClinVar after 2014. One submitter classified the variant as pathogenic, and one submitter classified the variant as uncertain significance. Based on the evidence outlined above, the variant was classified as likely pathogenic.

Revvity Omics, Revvity
Classification: Likely pathogenic. Last evaluated: 2023-05-28. Review status: criteria provided, single submitter. Criteria: ACMG Guidelines, 2015. Collection method: clinical testing. Allele origin: germline.

Broad Center for Mendelian Genomics, Broad Institute of MIT and Harvard
Classification: Uncertain significance for Usher syndrome type 1F. Last evaluated: 2023-01-24. Review status: criteria provided, single submitter. Criteria: ACMG Guidelines, 2015. Collection method: curation. Allele origin: germline. Inheritance: Autosomal recessive inheritance.
Comment: The p.Arg134Gln variant in PCDH15 has been reported in 3 individuals with Usher syndrome type 1F (PMID: 20538994, 28944237, 33576794, 22815625) and has been identified in 0.004% (1/24950) of African/African American chromosomes by the Genome Aggregation Database (gnomAD; dbSNP ID: rs767966376). Although this variant has been seen in the general population in a heterozygous state, its frequency is low enough to be consistent with a recessive carrier frequency. This variant has also been reported in ClinVar (Variation ID#: 968368) and has been interpreted as pathogenic by Invitae. Of the 3 affected individuals, 1 of those was a homozygote, 1 was a compound heterozygote that carried a reported likely pathogenic variant in trans, which increases the likelihood that the p.Arg134Gln variant is pathogenic (PMID: 28944237, 33576794). Computational prediction tools and conservation analyses do not provide strong support for or against an impact to the protein. One additional likely pathogenic variant, resulting in a different amino acid change at the same position, (p.Arg134Gly), has been reported in association with disease in the literature and ClinVar, slightly supporting that a change at this position may not be tolerated (PMID: 14570705, 18719945/Variation ID: 4936). In summary, the clinical significance of the p.Arg134Gln variant is uncertain. ACMG/AMP Criteria applied: PM3, PM2_supporting, PM5_supporting (Richards 2015).

Baylor Genetics
Classification: Likely pathogenic for Autosomal recessive nonsyndromic hearing loss 23. Last evaluated: 2022-01-24. Review status: criteria provided, single submitter. Criteria: ACMG Guidelines, 2015. Collection method: clinical testing. Allele origin: unknown.

Clinical Genetics Service, Universitary Hospital 12 de Octubre
Classification: Likely pathogenic for Usher syndrome type 1D. Review status: criteria provided, single submitter. Criteria: ACMG Guidelines, 2015. Collection method: clinical testing. Allele origin: germline. Affected: yes.

Juno Genomics, Hangzhou Juno Genomics, Inc
Classification: Likely pathogenic for Usher syndrome type 1F. Review status: criteria provided, single submitter. Criteria: ACMG Guidelines, 2015. Collection method: clinical testing. Allele origin: germline.
Comment: Absent from controls (or at extremely low frequency if recessive) in Genome Aggregation Database.;Novel missense change at an amino acid residue where a different missense change determined to be pathogenic has been seen before.;For recessive disorders, detected in trans with a pathogenic variant.;Patient's phenotype or family history is highly specific for a disease with a single genetic etiology.

Neuberg Centre For Genomic Medicine, NCGM
Classification: Uncertain significance for Autosomal recessive nonsyndromic hearing loss 23. Review status: criteria provided, single submitter. Criteria: ACMG Guidelines, 2015. Collection method: clinical testing. Allele origin: germline. Inheritance: Autosomal recessive inheritance. Affected: yes.
Comment: The observed missense variant c.401G>A(p.Arg134Gln) in PCDH15 gene has been reported previously in homozygous, compound heterozygous state in individuals with Usher syndrome (Colombo L, et al., 2021, Neuhaus C, et al., 2017). The c.401G>A(p.Arg134Gln) variant is reported with 0.001% allele frequency in gnomAD Exomes. This variant has been reported to the ClinVar database as Pathogenic/ Uncertain Significance. Computational evidence (Polyphen-probably damaging, SIFT-Tolerated and Mutation Taster-disease causing) predicts conflicting evidence on protein structure and function for this variant. The amino acid Arg at position 134 is changed to a Gln changing protein sequence and it might alter its composition and physico-chemical properties. The amino acid change p.Arg134Gln in PCDH15 is predicted as conserved by GERP++ and PhyloP across 100 vertebrates. For these reasons, this variant has been classified as Uncertain Significance.

Literature cited by the submitters: PubMed 20538994 (cited by Labcorp Genetics (formerly Invitae), Labcorp and Women's Health and Genetics/Laboratory Corporation of America, LabCorp); PubMed 22815625 (cited by Labcorp Genetics (formerly Invitae), Labcorp and Women's Health and Genetics/Laboratory Corporation of America, LabCorp); PubMed 28944237 (cited by 3 submitters); PubMed 33576794 (cited by Labcorp Genetics (formerly Invitae), Labcorp and Women's Health and Genetics/Laboratory Corporation of America, LabCorp); PubMed 14570705 (cited by Labcorp Genetics (formerly Invitae), Labcorp); PubMed 25333064 (cited by Labcorp Genetics (formerly Invitae), Labcorp); PubMed 27743452 (cited by Labcorp Genetics (formerly Invitae), Labcorp); PubMed 35836572 (cited by Women's Health and Genetics/Laboratory Corporation of America, LabCorp).

NM_001384140.1(PCDH15):c.401G>A (p.Arg134Gln)

Gene: PCDH15 (protocadherin related 15; minus strand). Cytogenetic location: 10q21.1.
Variant type: single nucleotide variant.
Coding change: c.401G>A on transcript NM_001384140.1 (MANE Select); coding-DNA position 401, G replaced by A.
Protein change: p.Arg134Gln; replaces arginine 134 with glutamine.
Molecular consequence: missense variant.
Genome position (GRCh38, 1-based): chr10:54,369,193, C>T on the plus strand (G>A on the coding strand, the complement: PCDH15 is on the minus strand). VCF-style: chr10-54369193-C-T. GRCh37 (hg19) VCF-style: chr10-56128953-C-T.
Other names: NM_001384140.1(PCDH15):c.401G>A; p.Arg134Gln; c.416G>A, p.Arg139Gln (NM_001142763.2, NM_001142769.4, NM_001142771.2); c.401G>A, p.Arg134Gln (NM_001142764.2, NM_001142765.2, NM_001142766.2 and 8 more transcripts); c.335G>A, p.Arg112Gln (NM_001142768.2, NM_001142773.2, NM_001354404.2); short protein forms R112Q, R134Q, R139Q.
Identifiers: ClinVar variation 968368 (VCV000968368.19), dbSNP rs767966376, ClinGen allele CA376542221.